The following is an entry in ClinVar:

ClinVar aggregate classification (germline): Uncertain significance (1 of 4 stars; one submission).

Submission:

Labcorp Genetics (formerly Invitae), Labcorp
Classification: Uncertain significance. Last evaluated: 2022-11-08. Review status: criteria provided, single submitter. Criteria: Invitae Variant Classification Sherloc (09022015). Collection method: clinical testing. Allele origin: germline.
Comment: This sequence change replaces phenylalanine, which is neutral and non-polar, with leucine, which is neutral and non-polar, at codon 108 of the WNT5A protein (p.Phe108Leu). This variant is not present in population databases (gnomAD no frequency). This variant has not been reported in the literature in individuals affected with WNT5A-related conditions. Advanced modeling of protein sequence and biophysical properties (such as structural, functional, and spatial information, amino acid conservation, physicochemical variation, residue mobility, and thermodynamic stability) performed at Invitae indicates that this missense variant is not expected to disrupt WNT5A protein function. In summary, the available evidence is currently insufficient to determine the role of this variant in disease. Therefore, it has been classified as a Variant of Uncertain Significance.

NM_003392.7(WNT5A):c.322T>C (p.Phe108Leu)

Gene: WNT5A (Wnt family member 5A; minus strand). Cytogenetic location: 3p14.3.
Variant type: single nucleotide variant.
Coding change: c.322T>C on transcript NM_003392.7 (MANE Select); coding-DNA position 322, T replaced by C.
Protein change: p.Phe108Leu; replaces phenylalanine 108 with leucine.
Molecular consequence: missense variant.
Genome position (GRCh38, 1-based): chr3:55,479,383, A>G on the plus strand (T>C on the coding strand, the complement: WNT5A is on the minus strand). VCF-style: chr3-55479383-A-G. GRCh37 (hg19) VCF-style: chr3-55513411-A-G.
Other names: c.277T>C, p.Phe93Leu (NM_001256105.1, NM_001377271.1, NM_001377272.1); short protein forms F108L, F93L.
Identifiers: ClinVar variation 2878462 (VCV002878462.3), dbSNP rs2471315616, ClinGen allele CA353267039.